The following is an entry in ClinVar:

NM_018489.3(ASH1L):c.4086A>G (p.Glu1362=)

Gene: ASH1L (ASH1 like histone lysine methyltransferase; minus strand). Cytogenetic location: 1q22.
Variant type: single nucleotide variant.
Coding change: c.4086A>G on transcript NM_018489.3 (MANE Select); coding-DNA position 4086, A replaced by G.
Protein change: p.Glu1362=; no amino-acid change (glutamic acid 1362 retained).
Molecular consequence: synonymous variant.
Genome position (GRCh38, 1-based): chr1:155,478,784, T>C on the plus strand (A>G on the coding strand, the complement: ASH1L is on the minus strand). VCF-style: chr1-155478784-T-C. GRCh37 (hg19) VCF-style: chr1-155448575-T-C.
Other names: c.4086A>G, p.Glu1362= (NM_001366177.2).
Identifiers: ClinVar variation 3771535 (VCV003771535.13).
Genomic context (GRCh38, chr1:155,478,784, plus strand): 5'-ATAAGATGGATAGAATCCAGTACTAGAAAGAGGAAAACTAAGGCTGTGCATAAAAGGCAT[T>C]TCAGCCATTGCCTCCCTCATCTTAGGGGGTCTCCCTCTTTTCTTTTTTAAGTCAGGTTTT-3'
Protein context (NP_060959.2, residues 1352-1372): RPPKMREAMA[Glu1362=]MPFMHSLSFP

ClinVar aggregate classification (germline): Likely benign (1 of 4 stars; one submission).

gnomAD v4.1: 6 of 1,614,022 alleles (0.00037%); highest among the groups gnomAD compares: Non-Finnish European, 0.00051%; no homozygotes.

Submission:

CeGaT Center for Human Genetics Tuebingen
Classification: Likely benign. Last evaluated: 2025-01-01. Review status: criteria provided, single submitter. Criteria: CeGaT Center For Human Genetics Tuebingen Variant Classification Criteria Version 2. Collection method: clinical testing. Allele origin: germline. Affected: yes. Observed: 1 variant allele.
Comment: ASH1L: BP4, BP7